The following is an entry in ClinVar:

NM_001376.5(DYNC1H1):c.12514-9C>A

Gene: DYNC1H1 (dynein cytoplasmic 1 heavy chain 1; plus strand). Cytogenetic location: 14q32.31.
Variant type: single nucleotide variant.
Coding change: c.12514-9C>A on transcript NM_001376.5 (MANE Select); 9 bases into the intron before coding-DNA position 12514, C replaced by A.
Molecular consequence: intron variant.
Genome position (GRCh38, 1-based): chr14:102,043,866, C>A. VCF-style: chr14-102043866-C-A. GRCh37 (hg19) VCF-style: chr14-102510203-C-A.
Identifiers: ClinVar variation 312656 (VCV000312656.24), dbSNP rs74874468, ClinGen allele CA7353964.

ClinVar aggregate classification (germline): Benign/Likely benign. Review status: criteria provided, multiple submitters, no conflicts (2 of 4 stars). 8 submissions from 7 submitters: Benign (6); Likely benign (1). 1 of the submissions does not count toward it. Last evaluated 2026-01-15.

Conditions:
DYNC1H1-related disorder. Also called: DYNC1H1-related condition; DYNC1H1-related disorders. Identifiers: MedGen CN381529.
Autosomal dominant cerebellar ataxia. Also called: Spinocerebellar Ataxia, Dominant. Identifiers: Orphanet 99, MedGen C4087347, MONDO:0020380.
Charcot-Marie-Tooth disease. Also called: Charcot-Marie-Tooth Neuropathy; Charcot-Marie-Tooth Hereditary Neuropathy. Identifiers: Orphanet 166, MedGen C0007959, MONDO:0015626.
Charcot-Marie-Tooth disease axonal type 2O. Also called: CHARCOT-MARIE-TOOTH NEUROPATHY, AXONAL, TYPE 2O; CHARCOT-MARIE-TOOTH DISEASE, AXONAL, AUTOSOMAL DOMINANT, TYPE 2O; Charcot-Marie-Tooth Neuropathy Type 2O; Charcot-Marie-Tooth disease, axonal, type 20. Identifiers: Orphanet 284232, MedGen C3280220, MONDO:0013644, OMIM 614228.

Allele frequency attached by ClinVar (database versions not stated): ESP Exome Variant Server 0.00015; gnomAD 0.00032 and 0.00050; TOPMed 0.00036; ExAC 0.00070; gnomAD exomes 0.00074; 1000 Genomes Project 30x 0.00297; 1000 Genomes Project 0.00379.
gnomAD v4.1: 689 of 1,614,190 alleles (0.043%); highest among the groups gnomAD compares: East Asian, 1.3%; 7 homozygotes.

Submissions (10):

Labcorp Genetics (formerly Invitae), Labcorp
Classification: Benign for Charcot-Marie-Tooth disease axonal type 2O. Last evaluated: 2026-01-15. Review status: criteria provided, single submitter. Criteria: Invitae Variant Classification Sherloc (09022015). Collection method: clinical testing. Allele origin: germline.

Blueprint Genetics
Classification: Likely benign. Last evaluated: 2024-09-20. Review status: criteria provided, single submitter. Criteria: ACMG Guidelines, 2015. Collection method: clinical testing. Allele origin: germline.

GeneDx
Classification: Benign. Last evaluated: 2019-10-08. Review status: criteria provided, single submitter. Criteria: GeneDx Variant Classification Process June 2021. Collection method: clinical testing. Allele origin: germline. Affected: yes.

Genetic Services Laboratory, University of Chicago
Classification: Benign. Last evaluated: 2018-04-17. Review status: criteria provided, single submitter. Criteria: ACMG Guidelines, 2015. Collection method: clinical testing. Allele origin: germline. Affected: no.

Illumina Laboratory Services, Illumina
Classification: Benign for Spinocerebellar Ataxia, Dominant. Last evaluated: 2018-01-12. Review status: criteria provided, single submitter. Criteria: ICSL Variant Classification Criteria 13 December 2019. Collection method: clinical testing. Allele origin: germline.
Comment: This variant was observed in the ICSL laboratory as part of a predisposition screen in an ostensibly healthy population. It had not been previously curated by ICSL or reported in the Human Gene Mutation Database (HGMD: prior to June 1st, 2018), and was therefore a candidate for classification through an automated scoring system. Utilizing variant allele frequency, disease prevalence and penetrance estimates, and inheritance mode, an automated score was calculated to assess if this variant is too frequent to cause the disease. Based on the score and internal cut-off values, a variant classified as benign is not then subjected to further curation. The score for this variant resulted in a classification of benign for this disease.

Illumina Laboratory Services, Illumina
Classification: Benign for Charcot-Marie-Tooth disease axonal type 2O. Last evaluated: 2018-01-12. Review status: criteria provided, single submitter. Criteria: ICSL Variant Classification Criteria 13 December 2019. Collection method: clinical testing. Allele origin: germline.
Comment: the same text as in the submission from Illumina Laboratory Services, Illumina above.

Molecular Genetics Laboratory, London Health Sciences Centre
Classification: Benign for Charcot-Marie-Tooth disease. Review status: criteria provided, single submitter. Criteria: ACMG Guidelines, 2015. Collection method: clinical testing. Allele origin: germline. Affected: yes.

PreventionGenetics, part of Exact Sciences
Classification: Benign for DYNC1H1-related condition. Last evaluated: 2019-09-13. Review status: no assertion criteria provided. Collection method: clinical testing. Allele origin: germline. Not counted in ClinVar's aggregate classification.
Comment: This variant is classified as benign based on ACMG/AMP sequence variant interpretation guidelines (Richards et al. 2015 PMID: 25741868, with internal and published modifications).

Dr. Peter K. Rogan Lab, Western University
No classification provided (evidence only). Condition: Malignant tumor of esophagus. Review status: no classification provided. Collection method: in vitro. Allele origin: not applicable. Functional consequence: retained intron. Not counted in ClinVar's aggregate classification.

Dr. Peter K. Rogan Lab, Western University
No classification provided (evidence only). Condition: Malignant tumor of esophagus. Review status: no classification provided. Collection method: in vitro. Allele origin: not applicable. Functional consequence: retained intron. Not counted in ClinVar's aggregate classification.